The following is an entry in ClinVar:

ClinVar aggregate classification (germline): Pathogenic (1 of 4 stars; one submission).

Submission:

Athena Diagnostics
Classification: Pathogenic. Last evaluated: 2024-12-12. Review status: criteria provided, single submitter. Criteria: Athena Diagnostics Criteria. Collection method: clinical testing. Allele origin: unknown.
Comment: This variant is expected to result in the loss of a functional protein. Similar deletions of exon 53-54 have been reported primarily in patients with Duchenne muscular dystrophy (DMD), and at least one individual with Becker muscular dystrophy (BMD; PMID: 29976999). Similar variants have not been reported in large, multi-ethnic general populations (Genome Aggregation Database (gnomAD), Cambridge, MA (URL)).

Literature cited by the submitters: PubMed 9800909; PubMed 19367636; PubMed 31705731; PubMed 31139960; PubMed 11524473; PubMed 28610567; PubMed 27593222; PubMed 25761239; PubMed 25972034; PubMed 31443951; PubMed 21515508; PubMed 25482253; PubMed 36315559; PubMed 16049303; PubMed 18653336; PubMed 21969337; PubMed 29976999; PubMed 38009102; PubMed 38850354.

Single allele

Gene: DMD (dystrophin; minus strand). Cytogenetic location: Xp21.1.
Variant type: Deletion.
Identifiers: ClinVar variation 4682482 (VCV004682482.1).